The following is an entry in ClinVar:

ClinVar aggregate classification (germline): Uncertain significance. Review status: criteria provided, multiple submitters, no conflicts (2 of 4 stars). 2 submissions from 2 submitters: Uncertain significance (2). Last evaluated 2025-11-22.

Conditions:
Left ventricular noncompaction 8 (LVNC8). Identifiers: Orphanet 154, Orphanet 54260, MedGen C3809288, MONDO:0014152, OMIM 615373.

gnomAD v4.1: 4 of 1,613,780 alleles (0.00025%); highest among the groups gnomAD compares: African/African-American, 0.004%; no homozygotes.

Submissions (2):

Labcorp Genetics (formerly Invitae), Labcorp
Classification: Uncertain significance for Left ventricular noncompaction 8. Last evaluated: 2025-11-22. Review status: criteria provided, single submitter. Criteria: Invitae Variant Classification Sherloc (09022015). Collection method: clinical testing. Allele origin: germline.
Comment: This sequence change replaces methionine, which is neutral and non-polar, with valine, which is neutral and non-polar, at codon 469 of the PRDM16 protein (p.Met469Val). This variant is not present in population databases (gnomAD no frequency). This variant has not been reported in the literature in individuals affected with PRDM16-related conditions. ClinVar contains an entry for this variant (Variation ID: 3602254). An algorithm developed to predict the effect of missense changes on protein structure and function (PolyPhen-2) suggests that this variant is likely to be tolerated. In summary, the available evidence is currently insufficient to determine the role of this variant in disease. Therefore, it has been classified as a Variant of Uncertain Significance.

GeneDx
Classification: Uncertain significance. Last evaluated: 2025-10-24. Review status: criteria provided, single submitter. Criteria: GeneDx Variant Classification Process June 2021. Collection method: clinical testing. Allele origin: germline. Affected: yes.
Comment: Has not been previously published as pathogenic or benign to our knowledge; Not observed at significant frequency in large population cohorts (gnomAD); In silico analysis suggests that this missense variant does not alter protein structure/function

NM_022114.4(PRDM16):c.1405A>G (p.Met469Val)

Gene: PRDM16 (PR/SET domain 16; plus strand). Cytogenetic location: 1p36.32.
Variant type: single nucleotide variant.
Coding change: c.1405A>G on transcript NM_022114.4 (MANE Select); coding-DNA position 1405, A replaced by G.
Protein change: p.Met469Val; replaces methionine 469 with valine.
Molecular consequence: missense variant.
Genome position (GRCh38, 1-based): chr1:3,411,602, A>G. VCF-style: chr1-3411602-A-G. GRCh37 (hg19) VCF-style: chr1-3328166-A-G.
Other names: c.1405A>G, p.Met469Val (NM_199454.3); short protein forms M469V.
Identifiers: ClinVar variation 3602254 (VCV003602254.3).